The following is an entry in ClinVar:

NM_005422.4(TECTA):c.3427G>A (p.Val1143Ile)

Genes: TBCEL-TECTA (TBCEL-TECTA readthrough; plus strand), TECTA (tectorin alpha; plus strand). Cytogenetic location: 11q23.3.
Variant type: single nucleotide variant.
Coding change: c.3427G>A on transcript NM_005422.4 (MANE Select); coding-DNA position 3427, G replaced by A.
Protein change: p.Val1143Ile; replaces valine 1143 with isoleucine.
Molecular consequence: missense variant.
Genome position (GRCh38, 1-based): chr11:121,137,906, G>A. VCF-style: chr11-121137906-G-A. GRCh37 (hg19) VCF-style: chr11-121008615-G-A.
Other names: c.4384G>A, p.Val1462Ile (NM_001378761.1); c.3427G>A (NM_005422.2); short protein forms V1143I, V1462I.
Identifiers: ClinVar variation 1915871 (VCV001915871.6), dbSNP rs374485876, ClinGen allele CA6327199.

ClinVar aggregate classification (germline): Uncertain significance. Review status: criteria provided, multiple submitters, no conflicts (2 of 4 stars). 2 submissions from 2 submitters: Uncertain significance (2). Last evaluated 2025-06-20.

Allele frequency attached by ClinVar (database versions not stated): gnomAD 0.00005; ESP Exome Variant Server 0.00008; gnomAD exomes below 0.00001; ExAC 0.00003; TOPMed 0.00003.
gnomAD v4.1: 13 of 1,602,496 alleles (0.00081%); highest among the groups gnomAD compares: African/African-American, 0.011%; no homozygotes.

Submissions (2):

GeneDx
Classification: Uncertain significance. Last evaluated: 2025-06-20. Review status: criteria provided, single submitter. Criteria: GeneDx Variant Classification Process June 2021. Collection method: clinical testing. Allele origin: germline. Affected: yes.
Comment: In silico analysis suggests that this missense variant does not alter protein structure/function; Has not been previously published as pathogenic or benign to our knowledge

Labcorp Genetics (formerly Invitae), Labcorp
Classification: Uncertain significance. Last evaluated: 2022-08-27. Review status: criteria provided, single submitter. Criteria: Invitae Variant Classification Sherloc (09022015). Collection method: clinical testing. Allele origin: germline.
Comment: In summary, the available evidence is currently insufficient to determine the role of this variant in disease. Therefore, it has been classified as a Variant of Uncertain Significance. This sequence change replaces valine, which is neutral and non-polar, with isoleucine, which is neutral and non-polar, at codon 1143 of the TECTA protein (p.Val1143Ile). The frequency data for this variant in the population databases is considered unreliable, as metrics indicate poor data quality at this position in the gnomAD database. This variant has not been reported in the literature in individuals affected with TECTA-related conditions. Algorithms developed to predict the effect of missense changes on protein structure and function (SIFT, PolyPhen-2, Align-GVGD) all suggest that this variant is likely to be tolerated.